The following is an entry in ClinVar:

ClinVar aggregate classification (germline): Conflicting classifications of pathogenicity. Review status: criteria provided, conflicting classifications (1 of 4 stars). 2 submissions from 2 submitters: Uncertain significance (1); Likely benign (1). Last evaluated 2025-02-10.

Conditions:
Emery-Dreifuss muscular dystrophy 5, autosomal dominant (EDMD5). Also called: EMERY-DREIFUSS MUSCULAR DYSTROPHY 5. Identifiers: Orphanet 261, MedGen C2751805, MONDO:0013072, OMIM 612999.

Allele frequency attached by ClinVar (database versions not stated): gnomAD exomes 0.00001; TOPMed 0.00001; ExAC 0.00002; ESP Exome Variant Server 0.00009.
gnomAD v4.1: 18 of 1,613,618 alleles (0.0011%); highest among the groups gnomAD compares: Middle Eastern, 0.066%; no homozygotes.

Submissions (2):

Labcorp Genetics (formerly Invitae), Labcorp
Classification: Uncertain significance for Emery-Dreifuss muscular dystrophy 5, autosomal dominant. Last evaluated: 2025-02-10. Review status: criteria provided, single submitter. Criteria: Invitae Variant Classification Sherloc (09022015). Collection method: clinical testing. Allele origin: germline.
Comment: This sequence change replaces isoleucine, which is neutral and non-polar, with valine, which is neutral and non-polar, at codon 1193 of the SYNE2 protein (p.Ile1193Val). This variant is present in population databases (rs372161060, gnomAD 0.004%). This variant has not been reported in the literature in individuals affected with SYNE2-related conditions. ClinVar contains an entry for this variant (Variation ID: 2065588). An algorithm developed to predict the effect of missense changes on protein structure and function outputs the following: PolyPhen-2: "Benign". The valine amino acid residue is found in multiple mammalian species, which suggests that this missense change does not adversely affect protein function. In summary, the available evidence is currently insufficient to determine the role of this variant in disease. Therefore, it has been classified as a Variant of Uncertain Significance.

Ambry Genetics
Classification: Likely benign. Last evaluated: 2024-04-22. Review status: criteria provided, single submitter. Criteria: Ambry Variant Classification Scheme 2023. Collection method: clinical testing. Allele origin: germline.

NM_182914.3(SYNE2):c.3577A>G (p.Ile1193Val)

Gene: SYNE2 (spectrin repeat containing nuclear envelope protein 2; plus strand). Cytogenetic location: 14q23.2.
Variant type: single nucleotide variant.
Coding change: c.3577A>G on transcript NM_182914.3 (MANE Select); coding-DNA position 3577, A replaced by G.
Protein change: p.Ile1193Val; replaces isoleucine 1193 with valine.
Molecular consequence: missense variant.
Genome position (GRCh38, 1-based): chr14:64,000,658, A>G. VCF-style: chr14-64000658-A-G. GRCh37 (hg19) VCF-style: chr14-64467376-A-G.
Other names: c.3577A>G (NM_182914.2); c.3577A>G, p.Ile1193Val (NM_015180.6); short protein forms I1193V.
Identifiers: ClinVar variation 2065588 (VCV002065588.5), dbSNP rs372161060, ClinGen allele CA7220001.